The following is an entry in ClinVar:

ClinVar aggregate classification (germline): Benign (1 of 4 stars; one submission).

Allele frequency attached by ClinVar (database versions not stated): gnomAD exomes 0.33304; gnomAD 0.35119 and 0.35594; 1000 Genomes Project 30x 0.42427.

Submission:

GeneDx
Classification: Benign. Last evaluated: 2018-06-16. Review status: criteria provided, single submitter. Criteria: GeneDx Variant Classification (06012015). Collection method: clinical testing. Allele origin: germline. Affected: yes.
Comment: This variant is considered likely benign or benign based on one or more of the following criteria: it is a conservative change, it occurs at a poorly conserved position in the protein, it is predicted to be benign by multiple in silico algorithms, and/or has population frequency not consistent with disease.

NM_015631.6(TCTN3):c.1590+125_1590+126insCC

Gene: TCTN3 (tectonic family member 3; minus strand). Cytogenetic location: 10q24.1.
Variant type: Insertion.
Coding change: c.1590+125_1590+126insCC on transcript NM_015631.6 (MANE Select); bases 125 to 126 of the intron after coding-DNA position 1590, CC inserted.
Molecular consequence: intron variant.
Genome position: GRCh38 VCF-style: chr10-95680346-T-TGG. GRCh37 (hg19) VCF-style: chr10-97440103-T-TGG.
Other names: c.1146+125_1146+126insCC (NM_001143973.2).
Identifiers: ClinVar variation 670230 (VCV000670230.1), dbSNP rs758547345, ClinGen allele CA211801193.